The following is an entry in ClinVar:

NM_000465.4(BARD1):c.450_452del (p.Ser151del)

Gene: BARD1 (BRCA1 associated RING domain 1; minus strand). Cytogenetic location: 2q35.
Variant type: Deletion.
Coding change: c.450_452del on transcript NM_000465.4 (MANE Select); coding-DNA positions 450 to 452, 3 bases deleted (AAG; older notation c.450_452delAAG).
Protein change: p.Ser151del; deletes serine 151.
Molecular consequence: inframe deletion. On other transcripts: non-coding transcript variant (2), intron variant (3).
Genome position (GRCh38, 1-based): chr2:214,781,422-214,781,424, CTT deleted on the plus strand (AAG on the coding strand, the reverse complement: BARD1 is on the minus strand); deleting any 3 consecutive bases within chr2:214,781,422-214,781,425 gives the same sequence; the c. name uses the placement nearest the transcript's 3' end. VCF-style (leftmost placement, unchanged base first): chr2-214781421-ACTT-A. GRCh37 (hg19) VCF-style: chr2-215646145-ACTT-A.
Other names: c.393_395del, p.Ser132del (NM_001282543.2); c.158+27988_158+27990del (NM_001282548.2); c.215+15637_215+15639del (NM_001282545.2); c.364+10873_364+10875del (NM_001282549.2); short protein forms S132del, S151del.
Identifiers: ClinVar variation 1332667 (VCV001332667.2), dbSNP rs2106112354, ClinGen allele CA2573051857.

ClinVar aggregate classification (germline): Uncertain significance (1 of 4 stars; one submission).

Conditions:
Hereditary cancer-predisposing syndrome. Also called: Tumor predisposition; Hereditary Cancer Syndrome; Neoplastic Syndromes, Hereditary; Hereditary neoplastic syndrome. Identifiers: Orphanet 140162, MedGen C0027672, MeSH D009386, MONDO:0015356.

Submission:

Color Diagnostics, LLC DBA Color Health
Classification: Uncertain significance for Hereditary cancer-predisposing syndrome. Last evaluated: 2021-03-22. Review status: criteria provided, single submitter. Criteria: ACMG Guidelines, 2015. Collection method: clinical testing. Allele origin: germline.
Comment: This variant causes an in-frame deletion of one amino acid of the BARD1 protein. To our knowledge, functional studies have not been reported for this variant. This variant has not been reported in individuals affected with hereditary cancer in the literature. This variant has not been identified in the general population by the Genome Aggregation Database (gnomAD). The available evidence is insufficient to determine the role of this variant in disease conclusively. Therefore, this variant is classified as a Variant of Uncertain Significance.